The following is an entry in ClinVar:

NM_004655.4(AXIN2):c.1710T>A (p.Phe570Leu)

Gene: AXIN2 (axin 2; minus strand). Cytogenetic location: 17q24.1.
Variant type: single nucleotide variant.
Coding change: c.1710T>A on transcript NM_004655.4 (MANE Select); coding-DNA position 1710, T replaced by A.
Protein change: p.Phe570Leu; replaces phenylalanine 570 with leucine.
Molecular consequence: missense variant.
Genome position (GRCh38, 1-based): chr17:65,537,326, A>T on the plus strand (T>A on the coding strand, the complement: AXIN2 is on the minus strand). VCF-style: chr17-65537326-A-T. GRCh37 (hg19) VCF-style: chr17-63533444-A-T.
Other names: c.1710T>A, p.Phe570Leu (NM_001363813.1); short protein forms F570L.
Identifiers: ClinVar variation 1715436 (VCV001715436.5), dbSNP rs2509410967, ClinGen allele CA400676783.

ClinVar aggregate classification (germline): Uncertain significance (1 of 4 stars; one submission).

Conditions:
Oligodontia-cancer predisposition syndrome. Also called: TOOTH AGENESIS-COLORECTAL CANCER SYNDROME. Identifiers: Orphanet 300576, MedGen C1837750, MONDO:0012075, OMIM 608615. Disease mechanism: loss of function.

Submission:

Labcorp Genetics (formerly Invitae), Labcorp
Classification: Uncertain significance for Oligodontia-cancer predisposition syndrome. Last evaluated: 2022-08-07. Review status: criteria provided, single submitter. Criteria: Invitae Variant Classification Sherloc (09022015). Collection method: clinical testing. Allele origin: germline.
Comment: In summary, the available evidence is currently insufficient to determine the role of this variant in disease. Therefore, it has been classified as a Variant of Uncertain Significance. This sequence change replaces phenylalanine, which is neutral and non-polar, with leucine, which is neutral and non-polar, at codon 570 of the AXIN2 protein (p.Phe570Leu). This variant is not present in population databases (gnomAD no frequency). This variant has not been reported in the literature in individuals affected with AXIN2-related conditions. Algorithms developed to predict the effect of missense changes on protein structure and function output the following: SIFT: "Tolerated"; PolyPhen-2: "Benign"; Align-GVGD: "Class C0". The leucine amino acid residue is found in multiple mammalian species, which suggests that this missense change does not adversely affect protein function.